The following is an entry in ClinVar:

NM_012108.4(STAP1):c.39G>T (p.Arg13Ser)

Gene: STAP1 (signal transducing adaptor family member 1; plus strand). Cytogenetic location: 4q13.2.
Variant type: single nucleotide variant.
Coding change: c.39G>T on transcript NM_012108.4 (MANE Select); coding-DNA position 39, G replaced by T.
Protein change: p.Arg13Ser; replaces arginine 13 with serine.
Molecular consequence: missense variant.
Genome position (GRCh38, 1-based): chr4:67,558,848, G>T. VCF-style: chr4-67558848-G-T. GRCh37 (hg19) VCF-style: chr4-68424566-G-T.
Other names: c.39G>T, p.Arg13Ser (NM_001317769.2); short protein forms R13S.
Identifiers: ClinVar variation 4176148 (VCV004176148.1).

ClinVar aggregate classification (germline): Uncertain significance (1 of 4 stars; one submission).

Submission:

Ambry Genetics
Classification: Uncertain significance. Last evaluated: 2025-07-06. Review status: criteria provided, single submitter. Criteria: Ambry Variant Classification Scheme 2023. Collection method: clinical testing. Allele origin: germline.
Comment: The p.R13S variant (also known as c.39G>T), located in coding exon 1 of the STAP1 gene, results from a G to T substitution at nucleotide position 39. The arginine at codon 13 is replaced by serine, an amino acid with dissimilar properties. This amino acid position is conserved. In addition, this alteration is predicted to be tolerated by in silico analysis. Based on the available evidence, the clinical significance of this variant remains unclear.